The following is an entry in ClinVar:

ClinVar aggregate classification (germline): Pathogenic. Review status: criteria provided, multiple submitters, no conflicts (2 of 4 stars). 2 submissions from 2 submitters: Pathogenic (2). Last evaluated 2025-08-29.

Conditions:
Hypophosphatasia. Also called: Phosphoethanol-aminuria. Identifiers: Orphanet 436, MedGen C0020630, MeSH D007014, MONDO:0018570.

Submissions (2):

Genomenon, Inc
Classification: Pathogenic for Hypophosphatasia. Last evaluated: 2025-08-29. Review status: criteria provided, single submitter. Criteria: Genomenon Sequence Variant Interpretation Standards. Collection method: curation. Allele origin: germline. Affected: yes.
Comment: ALPL p.Gln361ArgfsTer45 (c.1078_1081dup) is a frameshift variant that results in the production of a truncated protein which is predicted to undergo nonsense-mediated mRNA decay. This variant has been observed in a proband affected with hypophosphatasia (PMID:30719581). It is absent or not present at a significant frequency in gnomAD. In conclusion, we classify ALPL p.Gln361ArgfsTer45 (c.1078_1081dup) as a pathogenic variant.

Labcorp Genetics (formerly Invitae), Labcorp
Classification: Pathogenic. Last evaluated: 2023-07-22. Review status: criteria provided, single submitter. Criteria: Invitae Variant Classification Sherloc (09022015). Collection method: clinical testing. Allele origin: germline.
Comment: For these reasons, this variant has been classified as Pathogenic. ClinVar contains an entry for this variant (Variation ID: 853207). This premature translational stop signal has been observed in individual(s) with clinical features of hypophosphatasia (PMID: 30719581). This variant is present in population databases (no rsID available, gnomAD 0.0009%). This sequence change creates a premature translational stop signal (p.Gln361Argfs*45) in the ALPL gene. It is expected to result in an absent or disrupted protein product. Loss-of-function variants in ALPL are known to be pathogenic (PMID: 3174660, 10679946, 32973344, 33814268).

Literature cited by the submitters: PubMed 30719581 (cited by Genomenon, Inc and Labcorp Genetics (formerly Invitae), Labcorp); PubMed 3174660 (cited by Labcorp Genetics (formerly Invitae), Labcorp); PubMed 10679946 (cited by Labcorp Genetics (formerly Invitae), Labcorp); PubMed 32973344 (cited by Labcorp Genetics (formerly Invitae), Labcorp); PubMed 33814268 (cited by Labcorp Genetics (formerly Invitae), Labcorp).

NM_000478.6(ALPL):c.1078_1081dup (p.Gln361fs)

Gene: ALPL (alkaline phosphatase, biomineralization associated; plus strand). Cytogenetic location: 1p36.12.
Variant type: Duplication.
Coding change: c.1078_1081dup on transcript NM_000478.6 (MANE Select); coding-DNA positions 1078 to 1081, 4 bases duplicated (GGGC; older notation c.1078_1081dupGGGC).
Protein change: p.Gln361fs; shifts the reading frame from glutamine 361.
Molecular consequence: frameshift variant.
Genome position (GRCh38, 1-based): chr1:21,575,813-21,575,816, GGGC duplicated; duplicating any 4 consecutive bases within chr1:21,575,812-21,575,816 gives the same sequence; the c. name uses the placement nearest the transcript's 3' end. VCF-style (leftmost placement, unchanged base first): chr1-21575811-T-TCGGG. GRCh37 (hg19) VCF-style: chr1-21902304-T-TCGGG.
Other names: c.913_916dup, p.Gln306fs (NM_001127501.4); c.847_850dup, p.Gln284fs (NM_001177520.3); c.1078_1081dup, p.Gln361fs (NM_001369803.2, NM_001369804.2, NM_001369805.2); short protein forms Q306fs, Q361fs, Q284fs.
Identifiers: ClinVar variation 853207 (VCV000853207.12), dbSNP rs1172381352, ClinGen allele CA521899902.
Genomic context (GRCh38, chr1:21,575,811, plus strand): 5'-GGCACCATGAAGGAAAAGCCAAGCAGGCCCTGCATGAGGCGGTGGAGATGGACCGGGCCA[T>TCGGG]CGGGCAGGCAGGCAGCTTGACCTCCTCGGAAGACACTCTGACCGTGGTCACTGCGGACCA-3'